The following is an entry in ClinVar:

ClinVar aggregate classification (germline): Likely benign. Review status: criteria provided, multiple submitters, no conflicts (2 of 4 stars). 2 submissions from 2 submitters: Likely benign (2). Last evaluated 2025-08-13.

Conditions:
TTN-related disorder. Also called: TTN-related condition; TTN-related disease; TTN-related disorders.
Autosomal recessive limb-girdle muscular dystrophy type 2J (LGMDR10). Also called: Limb-girdle muscular dystrophy, type 2J; MUSCULAR DYSTROPHY, LIMB-GIRDLE, AUTOSOMAL RECESSIVE 10. Identifiers: Orphanet 140922, MedGen C1837342, MONDO:0012127, OMIM 608807.
Dilated cardiomyopathy 1G (CMD1G). Identifiers: Orphanet 154, MedGen C1858763, MONDO:0011400, OMIM 604145.

Allele frequency attached by ClinVar (database versions not stated): gnomAD exomes below 0.00001; TOPMed below 0.00001; ExAC 0.00001.
gnomAD v4.1: 4 of 1,613,716 alleles (0.00025%); highest among the groups gnomAD compares: East Asian, 0.0045%; no homozygotes.

Submissions (2):

Labcorp Genetics (formerly Invitae), Labcorp
Classification: Likely benign for Dilated cardiomyopathy 1G; Autosomal recessive limb-girdle muscular dystrophy type 2J. Last evaluated: 2025-08-13. Review status: criteria provided, single submitter. Criteria: Invitae Variant Classification Sherloc (09022015). Collection method: clinical testing. Allele origin: germline.

PreventionGenetics, part of Exact Sciences
Classification: Likely benign for TTN-related condition. Last evaluated: 2025-07-29. Review status: criteria provided, single submitter. Criteria: ACMG Guidelines, 2015. Collection method: clinical testing. Allele origin: germline.
Comment: This variant is classified as likely benign based on ACMG/AMP sequence variant interpretation guidelines (Richards et al. 2015 PMID: 25741868, with internal and published modifications).

NM_001267550.2(TTN):c.17337C>G (p.Thr5779=)

Genes: TTN (titin; minus strand), LOC126806431 (CDK7 strongly-dependent group 2 enhancer GRCh37_chr2:179595719-179596918; plus strand). Cytogenetic location: 2q31.2.
Variant type: single nucleotide variant.
Coding change: c.17337C>G on transcript NM_001267550.2 (MANE Select); coding-DNA position 17337, C replaced by G.
Protein change: p.Thr5779=; no amino-acid change (threonine 5779 retained).
Molecular consequence: synonymous variant. On other transcripts: intron variant (3).
Genome position (GRCh38, 1-based): chr2:178,731,429, G>C on the plus strand (C>G on the coding strand, the complement: TTN is on the minus strand). VCF-style: chr2-178731429-G-C. GRCh37 (hg19) VCF-style: chr2-179596156-G-C.
Other names: c.16386C>G, p.Thr5462= (NM_001256850.1); c.13605C>G, p.Thr4535= (NM_133378.4); c.13282+6653C>G (NM_003319.4); c.13858+6653C>G (NM_133437.4); c.13657+6653C>G (NM_133432.3).
Identifiers: ClinVar variation 723860 (VCV000723860.12), dbSNP rs763117242, ClinGen allele CA2001854.